The following is an entry in ClinVar:

NM_001358235.2(DCHS2):c.78C>T (p.Pro26=)

Gene: DCHS2 (dachsous cadherin-related 2; minus strand). Cytogenetic location: 4q31.3.
Variant type: single nucleotide variant.
Coding change: c.78C>T on transcript NM_001358235.2 (MANE Select); coding-DNA position 78, C replaced by T.
Protein change: p.Pro26=; no amino-acid change (proline 26 retained).
Molecular consequence: synonymous variant.
Genome position (GRCh38, 1-based): chr4:154,491,278, G>A on the plus strand (C>T on the coding strand, the complement: DCHS2 is on the minus strand). VCF-style: chr4-154491278-G-A. GRCh37 (hg19) VCF-style: chr4-155412430-G-A.
Other names: c.78C>T, p.Pro26= (NM_001142552.2, NM_001412223.1).
Identifiers: ClinVar variation 3042306 (VCV003042306.2), dbSNP rs73856409, ClinGen allele CA3113933.
Genomic context (GRCh38, chr4:154,491,278, plus strand): 5'-GGAGCGCTGCGTCCTGGCGCCGCTGCTGCCTGACCGCCCATGGGGTGTATCTCTCCTCCC[G>A]GGGAGCAGAAGGAGCTTCCCGACCGGAGCCCGCCGCTGCTGACGCCCTTCGCCCATCTTC-3'
Protein context (NP_001345164.1, residues 16-36): RAPVGKLLLL[Pro26=]GRRDTPHGRS

ClinVar aggregate classification (germline): Benign (0 of 4 stars; one submission).

Conditions:
DCHS2-related disorder. Also called: DCHS2-related condition.

Allele frequency attached by ClinVar (database versions not stated): gnomAD 0.00637; 1000 Genomes Project 30x 0.01999; 1000 Genomes Project 0.02037; ExAC 0.03128.
gnomAD v4.1: 6,836 of 1,550,020 alleles (0.44%); highest among the groups gnomAD compares: South Asian, 6.1%; 219 homozygotes.

Submission:

PreventionGenetics, part of Exact Sciences
Classification: Benign for DCHS2-related condition. Last evaluated: 2019-03-20. Review status: no assertion criteria provided. Collection method: clinical testing. Allele origin: germline.
Comment: This variant is classified as benign based on ACMG/AMP sequence variant interpretation guidelines (Richards et al. 2015 PMID: 25741868, with internal and published modifications).